The following is an entry in ClinVar:

ClinVar aggregate classification (germline): Pathogenic/Likely pathogenic. Review status: criteria provided, multiple submitters, no conflicts (2 of 4 stars). 3 submissions from 3 submitters: Pathogenic (2); Likely pathogenic (1). Last evaluated 2024-01-12.

Conditions:
PEX6-related disorder. Also called: PEX6-related disorders; PEX6-related condition.
Heimler syndrome 2 (HMLR2). Also called: PEROXISOME BIOGENESIS DISORDER 4C. Identifiers: Orphanet 3220, MedGen C4225267, OMIM 616617, MONDO:0014709.
Peroxisome biogenesis disorder. Identifiers: Orphanet 79189, MedGen C1832200, MONDO:0019234. Disease mechanism: loss of function.

Submissions (3):

Baylor Genetics
Classification: Pathogenic for Heimler syndrome 2. Last evaluated: 2024-01-12. Review status: criteria provided, single submitter. Criteria: ACMG Guidelines, 2015. Collection method: clinical testing. Allele origin: unknown.

Blueprint Genetics
Classification: Likely pathogenic for PEX6-related disorders. Last evaluated: 2023-05-17. Review status: criteria provided, single submitter. Criteria: ACMG Guidelines, 2015. Collection method: clinical testing. Allele origin: germline. Affected: yes. Observed: 5 variant alleles.

Labcorp Genetics (formerly Invitae), Labcorp
Classification: Pathogenic for Peroxisome biogenesis disorder. Last evaluated: 2023-01-17. Review status: criteria provided, single submitter. Criteria: Invitae Variant Classification Sherloc (09022015). Collection method: clinical testing. Allele origin: germline.
Comment: For these reasons, this variant has been classified as Pathogenic. This premature translational stop signal has been observed in individual(s) with Zellweger syndrome (PMID: 10408779). This variant is present in population databases (rs61753213, gnomAD 0.07%). This sequence change creates a premature translational stop signal (p.Pro177Hisfs*29) in the PEX6 gene. It is expected to result in an absent or disrupted protein product. Loss-of-function variants in PEX6 are known to be pathogenic (PMID: 8670792, 19877282, 21031596).

Literature cited by the submitters: PubMed 10408779 (cited by Labcorp Genetics (formerly Invitae), Labcorp); PubMed 8670792 (cited by Labcorp Genetics (formerly Invitae), Labcorp); PubMed 19877282 (cited by Labcorp Genetics (formerly Invitae), Labcorp); PubMed 21031596 (cited by Labcorp Genetics (formerly Invitae), Labcorp).

NM_000287.4(PEX6):c.530del (p.Pro177fs)

Gene: PEX6 (peroxisomal biogenesis factor 6; minus strand). Cytogenetic location: 6p21.1.
Variant type: Deletion.
Coding change: c.530del on transcript NM_000287.4 (MANE Select); coding-DNA position 530, one base deleted (C; older notation c.530delC).
Protein change: p.Pro177fs; shifts the reading frame from proline 177.
Molecular consequence: frameshift variant. On other transcripts: non-coding transcript variant (1).
Genome position (GRCh38, 1-based): chr6:42,978,621, G deleted on the plus strand (C on the coding strand, the reverse complement: PEX6 is on the minus strand); the first of 5 consecutive G bases (chr6:42,978,621-42,978,625); deleting any one gives the same sequence. VCF-style (leftmost placement, unchanged base first): chr6-42978620-TG-T. GRCh37 (hg19) VCF-style: chr6-42946358-TG-T.
Other names: c.530del, p.Pro177fs (NM_001316313.2); short protein forms P177fs.
Identifiers: ClinVar variation 2734863 (VCV002734863.5), dbSNP rs61753213, ClinGen allele CA3811608.